The following is an entry in ClinVar:

ClinVar aggregate classification (germline): Uncertain significance (1 of 4 stars; one submission).

gnomAD v4.1: 1 of 1,601,010 alleles (0.000062%); highest among the groups gnomAD compares: Middle Eastern, 0.017%; no homozygotes.

Submission:

Labcorp Genetics (formerly Invitae), Labcorp
Classification: Uncertain significance. Last evaluated: 2024-03-06. Review status: criteria provided, single submitter. Criteria: Invitae Variant Classification Sherloc (09022015). Collection method: clinical testing. Allele origin: germline.
Comment: This sequence change replaces alanine, which is neutral and non-polar, with threonine, which is neutral and polar, at codon 365 of the ERBB2 protein (p.Ala365Thr). This variant is not present in population databases (gnomAD no frequency). This variant has not been reported in the literature in individuals affected with ERBB2-related conditions. ClinVar contains an entry for this variant (Variation ID: 2169405). Advanced modeling of protein sequence and biophysical properties (such as structural, functional, and spatial information, amino acid conservation, physicochemical variation, residue mobility, and thermodynamic stability) performed at Invitae indicates that this missense variant is not expected to disrupt ERBB2 protein function with a negative predictive value of 80%. In summary, the available evidence is currently insufficient to determine the role of this variant in disease. Therefore, it has been classified as a Variant of Uncertain Significance.

NM_004448.4(ERBB2):c.1093G>A (p.Ala365Thr)

Gene: ERBB2 (erb-b2 receptor tyrosine kinase 2; plus strand). Cytogenetic location: 17q12.
Variant type: single nucleotide variant.
Coding change: c.1093G>A on transcript NM_004448.4 (MANE Select); coding-DNA position 1093, G replaced by A.
Protein change: p.Ala365Thr; replaces alanine 365 with threonine.
Molecular consequence: missense variant. On other transcripts: non-coding transcript variant (1).
Genome position (GRCh38, 1-based): chr17:39,712,393, G>A. VCF-style: chr17-39712393-G-A. GRCh37 (hg19) VCF-style: chr17-37868646-G-A.
Other names: c.1003G>A, p.Ala335Thr (NM_001005862.3, NM_001289938.2, NM_001382782.1 and 1 more transcripts); c.1048G>A, p.Ala350Thr (NM_001289936.2); c.1093G>A, p.Ala365Thr (NM_001289937.2, NM_001382784.1, NM_001382785.1 and 16 more transcripts); c.1168G>A, p.Ala390Thr (NM_001382787.1); c.1084G>A, p.Ala362Thr (NM_001382791.1); c.913G>A, p.Ala305Thr (NM_001382799.1); c.835G>A, p.Ala279Thr (NM_001382802.1); c.265G>A, p.Ala89Thr (NM_001382804.1); short protein forms A362T, A365T, A305T, A335T, A89T, A279T, A390T, A350T.
Identifiers: ClinVar variation 2169405 (VCV002169405.4), dbSNP rs1324411001, ClinGen allele CA399284629.
Genomic context (GRCh38, chr17:39,712,393, plus strand): 5'-CTGGGCATGGAGCACTTGCGAGAGGTGAGGGCAGTTACCAGTGCCAATATCCAGGAGTTT[G>A]CTGGCTGCAAGAAGATCTTTGGGAGCCTGGCATTTCTGCCGGAGAGCTTTGATGGGTAAG-3'
Protein context (NP_004439.2, residues 355-375): AVTSANIQEF[Ala365Thr]GCKKIFGSLA